The following is an entry in ClinVar:

NM_007118.4(TRIO):c.1113G>A (p.Gly371=)

Gene: TRIO (trio Rho guanine nucleotide exchange factor; plus strand). Cytogenetic location: 5p15.2.
Variant type: single nucleotide variant.
Coding change: c.1113G>A on transcript NM_007118.4 (MANE Select); coding-DNA position 1113, G replaced by A.
Protein change: p.Gly371=; no amino-acid change (glycine 371 retained).
Molecular consequence: synonymous variant. On other transcripts: non-coding transcript variant (1).
Genome position (GRCh38, 1-based): chr5:14,293,071, G>A. VCF-style: chr5-14293071-G-A. GRCh37 (hg19) VCF-style: chr5-14293180-G-A.
Identifiers: ClinVar variation 4874763 (VCV004874763.2).

ClinVar aggregate classification (germline): Likely benign (1 of 4 stars; one submission).

Submission:

CeGaT Center for Human Genetics Tuebingen
Classification: Likely benign. Last evaluated: 2026-04-01. Review status: criteria provided, single submitter. Criteria: CeGaT Center For Human Genetics Tuebingen Variant Classification Criteria Version 2. Collection method: clinical testing. Allele origin: germline. Affected: yes. Observed: 1 variant allele.
Comment: TRIO: PM2:Supporting, BP4, BP7